The following is an entry in ClinVar:

NM_001166114.2(PNPLA6):c.3094-5C>T

Gene: PNPLA6 (patatin like domain 6, lysophospholipase; plus strand). Cytogenetic location: 19p13.2.
Variant type: single nucleotide variant.
Coding change: c.3094-5C>T on transcript NM_001166114.2 (MANE Select); 5 bases into the intron before coding-DNA position 3094, C replaced by T.
Molecular consequence: intron variant.
Genome position (GRCh38, 1-based): chr19:7,556,448, C>T. VCF-style: chr19-7556448-C-T. GRCh37 (hg19) VCF-style: chr19-7621334-C-T.
Other names: p.?; c.2980-5C>T (NM_006702.5, NM_001166113.1); c.2899-5C>T (NM_001166112.2); c.3124-5C>T (NM_001166111.2).
Identifiers: ClinVar variation 240693 (VCV000240693.22), dbSNP rs116788699, ClinGen allele CA9140339.
Genomic context (GRCh38, chr19:7,556,448, plus strand): 5'-TTGATGAACCTTATCTGTGACCCCATGTAACTCCTATTTGACCCTGTCTGGCCCCTTGTC[C>T]CTAGAGCATGACTTCGGTGCTGGAACCTGTGTTGGACCTCACGTACCCAGTCACCTCCAT-3'

ClinVar aggregate classification (germline): Benign/Likely benign. Review status: criteria provided, multiple submitters, no conflicts (2 of 4 stars). 7 submissions from 7 submitters: Benign (3); Likely benign (4). Last evaluated 2026-01-18.

Conditions:
Hereditary spastic paraplegia. Also called: Familial spastic paraparesis. Identifiers: Orphanet 685, MedGen C0037773, MONDO:0019064. Disease mechanism: loss of function.
Hereditary spastic paraplegia 39 (SPG39). Also called: SPASTIC PARAPLEGIA 39, AUTOSOMAL RECESSIVE; Spastic Paraplegia Type 39 (SPG39). Identifiers: Orphanet 139480, MedGen C2677586, MONDO:0012787, OMIM 612020.

Allele frequency attached by ClinVar (database versions not stated): gnomAD exomes 0.00251; ExAC 0.00312; 1000 Genomes Project 0.00779; 1000 Genomes Project 30x 0.00921; gnomAD 0.00980 and 0.01066; TOPMed 0.01061; ESP Exome Variant Server 0.01161.
gnomAD v4.1: 2,977 of 1,589,704 alleles (0.19%); highest among the groups gnomAD compares: African/African-American, 3.5%; 39 homozygotes.

Submissions (7):

Labcorp Genetics (formerly Invitae), Labcorp
Classification: Benign for Hereditary spastic paraplegia 39. Last evaluated: 2026-01-18. Review status: criteria provided, single submitter. Criteria: Invitae Variant Classification Sherloc (09022015). Collection method: clinical testing. Allele origin: germline.

Athena Diagnostics
Classification: Benign. Last evaluated: 2023-10-16. Review status: criteria provided, single submitter. Criteria: Athena Diagnostics Criteria. Collection method: clinical testing. Allele origin: unknown.

Genome Diagnostics Laboratory, The Hospital for Sick Children
Classification: Likely benign for Hereditary spastic paraplegia. Last evaluated: 2021-04-08. Review status: criteria provided, single submitter. Criteria: ACMG Guidelines, 2015. Collection method: clinical testing. Allele origin: germline. Affected: yes.

Mayo Clinic Laboratories, Mayo Clinic
Classification: Benign. Last evaluated: 2020-02-04. Review status: criteria provided, single submitter. Criteria: ACMG Guidelines, 2015. Collection method: clinical testing. Allele origin: germline. Observed: 7 variant alleles.

GeneDx
Classification: Likely benign. Last evaluated: 2020-01-24. Review status: criteria provided, single submitter. Criteria: GeneDx Variant Classification Process June 2021. Collection method: clinical testing. Allele origin: germline. Affected: yes.

Illumina Laboratory Services, Illumina
Classification: Likely benign for Hereditary spastic paraplegia 39. Last evaluated: 2018-01-12. Review status: criteria provided, single submitter. Criteria: ICSL Variant Classification Criteria 13 December 2019. Collection method: clinical testing. Allele origin: germline.
Comment: This variant was observed in the ICSL laboratory as part of a predisposition screen in an ostensibly healthy population. It had not been previously curated by ICSL or reported in the Human Gene Mutation Database (HGMD: prior to June 1st, 2018), and was therefore a candidate for classification through an automated scoring system. Utilizing variant allele frequency, disease prevalence and penetrance estimates, and inheritance mode, an automated score was calculated to assess if this variant is too frequent to cause the disease. Based on the score and internal cut-off values, a variant classified as likely benign is not then subjected to further curation. The score for this variant resulted in a classification of likely benign for this disease.

Breakthrough Genomics
Classification: Likely benign. Review status: criteria provided, single submitter. Criteria: ACMG Guidelines, 2015. Collection method: not provided. Allele origin: germline. Inheritance: Autosomal recessive inheritance. Affected: yes.